The following is an entry in ClinVar:

NM_003579.4(RAD54L):c.2132A>G (p.Asp711Gly)

Genes: LRRC41 (leucine rich repeat containing 41; minus strand), RAD54L (RAD54 like; plus strand). Cytogenetic location: 1p34.1.
Variant type: single nucleotide variant.
Coding change: c.2132A>G on transcript NM_003579.4 (MANE Select); coding-DNA position 2132, A replaced by G.
Protein change: p.Asp711Gly; replaces aspartic acid 711 with glycine.
Molecular consequence: missense variant. On other transcripts: 3 prime UTR variant (1).
Genome position (GRCh38, 1-based): chr1:46,278,170, A>G. VCF-style: chr1-46278170-A-G. GRCh37 (hg19) VCF-style: chr1-46743842-A-G.
Other names: c.*695T>C (NM_006369.5); c.2132A>G, p.Asp711Gly (NM_001142548.2); c.1592A>G, p.Asp531Gly (NM_001370766.1); short protein forms D531G, D711G.
Identifiers: ClinVar variation 1786422 (VCV001786422.3), dbSNP rs1660678724, ClinGen allele CA340191277.

ClinVar aggregate classification (germline): Uncertain significance (1 of 4 stars; one submission).

Allele frequency attached by ClinVar (database versions not stated): TOPMed below 0.00001.

Submission:

Ambry Genetics
Classification: Uncertain significance. Last evaluated: 2024-09-02. Review status: criteria provided, single submitter. Criteria: Ambry Variant Classification Scheme 2023. Collection method: clinical testing. Allele origin: germline.
Comment: The p.D711G variant (also known as c.2132A>G), located in coding exon 18 of the RAD54L gene, results from an A to G substitution at nucleotide position 2132. The aspartic acid at codon 711 is replaced by glycine, an amino acid with similar properties. This amino acid position is conserved. In addition, this alteration is predicted to be deleterious by in silico analysis. Since supporting evidence is limited at this time, the clinical significance of this alteration remains unclear.